The following is an entry in ClinVar:

NM_012210.4(TRIM32):c.1223G>A (p.Arg408His)

Genes: ASTN2 (astrotactin 2; minus strand), TRIM32 (tripartite motif containing 32; plus strand). Cytogenetic location: 9q33.1.
Variant type: single nucleotide variant.
Coding change: c.1223G>A on transcript NM_012210.4 (MANE Select); coding-DNA position 1223, G replaced by A.
Protein change: p.Arg408His; replaces arginine 408 with histidine.
Molecular consequence: missense variant. On other transcripts: intron variant (3).
Genome position (GRCh38, 1-based): chr9:116,698,965, G>A. VCF-style: chr9-116698965-G-A. GRCh37 (hg19) VCF-style: chr9-119461244-G-A.
Other names: p.Arg408His; c.1223G>A, p.Arg408His (NM_001099679.2, NM_001379048.1, NM_001379049.1 and 1 more transcripts); c.2653+26806C>T (NM_014010.5); c.2794+26806C>T (NM_001365069.1); c.2806+26806C>T (NM_001365068.1); short protein forms R408H.
Identifiers: ClinVar variation 284781 (VCV000284781.24), dbSNP rs183136193, ClinGen allele CA5211121.

ClinVar aggregate classification (germline): Conflicting classifications of pathogenicity. Review status: criteria provided, conflicting classifications (1 of 4 stars). 9 submissions from 9 submitters: Uncertain significance (8); Likely benign (1). Last evaluated 2026-09-15.

Conditions:
TRIM32-related disorder. Also called: TRIM32-related condition.
Bardet-Biedl syndrome 11 (BBS11). Identifiers: Orphanet 110, MedGen C1859569, MONDO:0014439, OMIM 615988.
Sarcotubular myopathy (LGMDR8). Also called: Limb-girdle muscular dystrophy, type 2H; MUSCULAR DYSTROPHY, LIMB-GIRDLE, AUTOSOMAL RECESSIVE 8; Autosomal recessive limb-girdle muscular dystrophy type 2H; Hutterite type of muscular dystrophy. Identifiers: Orphanet 1878, MedGen C0270968, MONDO:0009683, OMIM 254110.
Bardet-Biedl syndrome (BBS). Identifiers: Orphanet 110, MedGen C0752166, MONDO:0015229.

Allele frequency attached by ClinVar (database versions not stated): gnomAD 0.00005 and 0.00006; TOPMed 0.00007; ExAC 0.00008; gnomAD exomes 0.00009 and 0.00020.
gnomAD v4.1: 296 of 1,614,010 alleles (0.018%); highest among the groups gnomAD compares: South Asian, 0.033%; 1 homozygote.

Submissions (9):

PreventionGenetics, part of Exact Sciences
Classification: Uncertain significance for TRIM32-related condition. Last evaluated: 2026-09-15. Review status: criteria provided, single submitter. Criteria: ACMG Guidelines, 2015. Collection method: clinical testing. Allele origin: germline.
Comment: The TRIM32 c.1223G>A variant is predicted to result in the amino acid substitution p.Arg408His. To our knowledge, this variant has not been reported in the literature. This variant is reported in 0.036% of alleles in individuals of South Asian descent in gnomAD. Of note, a different variant impacting the same amino acid has been reported in the heterozygous state in a patient with Usher syndrome; however, a second potentially causative variant in TRIM32 was not detected in that individual (Song et al. 2011. PubMed ID: 22025579). At this time, the clinical significance of the c.1223G>A (p.Arg408His) variant is uncertain due to the absence of conclusive functional and genetic evidence.

Athena Diagnostics
Classification: Uncertain significance. Last evaluated: 2025-10-24. Review status: criteria provided, single submitter. Criteria: Athena Diagnostics Criteria. Collection method: clinical testing. Allele origin: unknown.
Comment: Available data are insufficient to determine the clinical significance of the variant at this time. The frequency of this variant in the general population is uninformative in assessment of its pathogenicity. Polyphen and MutationTaster yielded discordant predictions regarding whether this amino acid change is damaging to the protein.

Mayo Clinic Laboratories, Mayo Clinic
Classification: Uncertain significance. Last evaluated: 2025-09-04. Review status: criteria provided, single submitter. Criteria: ACMG Guidelines, 2015. Collection method: clinical testing. Allele origin: germline. Observed: 2 variant alleles.

Revvity Omics, Revvity
Classification: Uncertain significance. Last evaluated: 2025-03-04. Review status: criteria provided, single submitter. Criteria: ACMG Guidelines, 2015. Collection method: clinical testing. Allele origin: germline.

Blueprint Genetics
Classification: Uncertain significance. Last evaluated: 2024-11-06. Review status: criteria provided, single submitter. Criteria: ACMG Guidelines, 2015. Collection method: clinical testing. Allele origin: germline.

Fulgent Genetics
Classification: Likely benign for Sarcotubular myopathy; Bardet-Biedl syndrome 11. Last evaluated: 2024-02-22. Review status: criteria provided, single submitter. Criteria: ACMG Guidelines, 2015. Collection method: clinical testing. Allele origin: germline.

Labcorp Genetics (formerly Invitae), Labcorp
Classification: Uncertain significance for Bardet-Biedl syndrome. Last evaluated: 2022-10-04. Review status: criteria provided, single submitter. Criteria: Invitae Variant Classification Sherloc (09022015). Collection method: clinical testing. Allele origin: germline.
Comment: This sequence change replaces arginine, which is basic and polar, with histidine, which is basic and polar, at codon 408 of the TRIM32 protein (p.Arg408His). This variant is present in population databases (rs183136193, gnomAD 0.04%). This variant has not been reported in the literature in individuals affected with TRIM32-related conditions. ClinVar contains an entry for this variant (Variation ID: 284781). Algorithms developed to predict the effect of missense changes on protein structure and function are either unavailable or do not agree on the potential impact of this missense change (SIFT: "Deleterious"; PolyPhen-2: "Benign"; Align-GVGD: "Class C25"). In summary, the available evidence is currently insufficient to determine the role of this variant in disease. Therefore, it has been classified as a Variant of Uncertain Significance.

GeneDx
Classification: Uncertain significance. Last evaluated: 2019-09-27. Review status: criteria provided, single submitter. Criteria: GeneDx Variant Classification Process June 2021. Collection method: clinical testing. Allele origin: germline. Affected: yes.
Comment: In silico analysis, which includes protein predictors and evolutionary conservation, supports that this variant does not alter protein structure/function; Has not been previously published as pathogenic or benign to our knowledge

Eurofins Ntd Llc (ga)
Classification: Uncertain significance. Last evaluated: 2018-06-29. Review status: criteria provided, single submitter. Criteria: EGL ClinVar v180209 classification definitions. Collection method: clinical testing. Allele origin: germline. Observed: 4 variant alleles, 4 heterozygotes.

Literature cited by the submitters: PubMed 29921608 (cited by Athena Diagnostics).